The following is an entry in ClinVar:

NM_198407.2(GHSR):c.87G>T (p.Ser29=)

Gene: GHSR (growth hormone secretagogue receptor; minus strand). Cytogenetic location: 3q26.31.
Variant type: single nucleotide variant.
Coding change: c.87G>T on transcript NM_198407.2 (MANE Select); coding-DNA position 87, G replaced by T.
Protein change: p.Ser29=; no amino-acid change (serine 29 retained).
Molecular consequence: synonymous variant.
Genome position (GRCh38, 1-based): chr3:172,448,327, C>A on the plus strand (G>T on the coding strand, the complement: GHSR is on the minus strand). VCF-style: chr3-172448327-C-A. GRCh37 (hg19) VCF-style: chr3-172166117-C-A.
Other names: c.87G>T, p.Ser29= (NM_004122.2).
Identifiers: ClinVar variation 1616617 (VCV001616617.10), dbSNP rs137953416, ClinGen allele CA2706540.

ClinVar aggregate classification (germline): Benign. Review status: criteria provided, single submitter (1 of 4 stars). 2 submissions from 2 submitters: Benign (1). 1 of the submissions does not count toward it. Last evaluated 2025-08-25.

Conditions:
GHSR-related disorder. Also called: GHSR-related condition.

Allele frequency attached by ClinVar (database versions not stated): gnomAD exomes 0.00012; ExAC 0.00014; 1000 Genomes Project 30x 0.00031; 1000 Genomes Project 0.00040; TOPMed 0.00068; ESP Exome Variant Server 0.00077.
gnomAD v4.1: 160 of 1,606,970 alleles (0.01%); highest among the groups gnomAD compares: African/African-American, 0.2%; no homozygotes.

Submissions (2):

Labcorp Genetics (formerly Invitae), Labcorp
Classification: Benign. Last evaluated: 2025-08-25. Review status: criteria provided, single submitter. Criteria: Invitae Variant Classification Sherloc (09022015). Collection method: clinical testing. Allele origin: germline.

PreventionGenetics, part of Exact Sciences
Classification: Likely benign for GHSR-related condition. Last evaluated: 2019-07-30. Review status: no assertion criteria provided. Collection method: clinical testing. Allele origin: germline. Not counted in ClinVar's aggregate classification.
Comment: This variant is classified as likely benign based on ACMG/AMP sequence variant interpretation guidelines (Richards et al. 2015 PMID: 25741868, with internal and published modifications).